The following is an entry in ClinVar:

ClinVar aggregate classification (germline): Pathogenic (1 of 4 stars; one submission).

Conditions:
Neuronal ceroid lipofuscinosis 7 (CLN7). Also called: MFSD8-Related Neuronal Ceroid-Lipofuscinosis. Identifiers: Orphanet 168491, Orphanet 228366, MedGen C1838571, MONDO:0012588, OMIM 610951.

Submission:

Labcorp Genetics (formerly Invitae), Labcorp
Classification: Pathogenic for Neuronal ceroid lipofuscinosis 7. Last evaluated: 2022-06-12. Review status: criteria provided, single submitter. Criteria: Invitae Variant Classification Sherloc (09022015). Collection method: clinical testing. Allele origin: germline.
Comment: This variant is a gross deletion of the genomic region encompassing exon(s) 3 of the MFSD8 gene. This deletion is out-of-frame, and is expected to create a premature termination codon and result in an absent or disrupted protein product. Loss-of-function variants in MFSD8 are known to be pathogenic (PMID: 19177532, 25227500, 28586915). This variant has not been reported in the literature in individuals affected with MFSD8-related conditions. For these reasons, this variant has been classified as Pathogenic.

Literature cited by the submitters: PubMed 19177532; PubMed 25227500; PubMed 28586915.

NC_000004.11:g.(?_128878646)_(128878757_?)del

Gene: MFSD8 (major facilitator superfamily domain containing 8; minus strand). Cytogenetic location: 4q28.2.
Variant type: Deletion.
Identifiers: ClinVar variation 1459614 (VCV001459614.4).